The following is an entry in ClinVar:

NM_032520.5(GNPTG):c.260A>G (p.His87Arg)

Gene: GNPTG (N-acetylglucosamine-1-phosphate transferase subunit gamma; plus strand). Cytogenetic location: 16p13.3.
Variant type: single nucleotide variant.
Coding change: c.260A>G on transcript NM_032520.5 (MANE Select); coding-DNA position 260, A replaced by G.
Protein change: p.His87Arg; replaces histidine 87 with arginine.
Molecular consequence: missense variant.
Genome position (GRCh38, 1-based): chr16:1,361,898, A>G. VCF-style: chr16-1361898-A-G. GRCh37 (hg19) VCF-style: chr16-1411899-A-G.
Other names: short protein forms H87R.
Identifiers: ClinVar variation 1517839 (VCV001517839.5), dbSNP rs769717288, ClinGen allele CA7807573.

ClinVar aggregate classification (germline): Uncertain significance (1 of 4 stars; one submission).

Allele frequency attached by ClinVar (database versions not stated): gnomAD exomes 0.00001; ExAC 0.00002.
gnomAD v4.1: 8 of 1,613,830 alleles (0.0005%); highest among the groups gnomAD compares: South Asian, 0.0066%; no homozygotes.

Submission:

Labcorp Genetics (formerly Invitae), Labcorp
Classification: Uncertain significance. Last evaluated: 2022-07-18. Review status: criteria provided, single submitter. Criteria: Invitae Variant Classification Sherloc (09022015). Collection method: clinical testing. Allele origin: germline.
Comment: This sequence change replaces histidine, which is basic and polar, with arginine, which is basic and polar, at codon 87 of the GNPTG protein (p.His87Arg). This variant is present in population databases (rs769717288, gnomAD 0.003%). This variant has not been reported in the literature in individuals affected with GNPTG-related conditions. ClinVar contains an entry for this variant (Variation ID: 1517839). Algorithms developed to predict the effect of missense changes on protein structure and function (SIFT, PolyPhen-2, Align-GVGD) all suggest that this variant is likely to be tolerated. In summary, the available evidence is currently insufficient to determine the role of this variant in disease. Therefore, it has been classified as a Variant of Uncertain Significance.